The following is an entry in ClinVar:

ClinVar aggregate classification (germline): Uncertain significance (1 of 4 stars; one submission).

Conditions:
Intellectual developmental disorder, autosomal dominant 1. Also called: MBD5 Haploinsufficiency; Intellectual disability, autosomal dominant 1. Identifiers: Orphanet 228402, MedGen C1969562, MONDO:0007974, OMIM 156200.

gnomAD v4.1: 1 of 1,613,798 alleles (0.000062%); highest among the groups gnomAD compares: Non-Finnish European, 0.000085%; no homozygotes.

Submission:

Labcorp Genetics (formerly Invitae), Labcorp
Classification: Uncertain significance for Intellectual developmental disorder, autosomal dominant 1. Last evaluated: 2026-01-17. Review status: criteria provided, single submitter. Criteria: Invitae Variant Classification Sherloc (09022015). Collection method: clinical testing. Allele origin: germline.
Comment: This sequence change replaces leucine, which is neutral and non-polar, with serine, which is neutral and polar, at codon 170 of the MBD5 protein (p.Leu170Ser). This variant is not present in population databases (gnomAD no frequency). This variant has not been reported in the literature in individuals affected with MBD5-related conditions. Invitae Evidence Modeling of protein sequence and biophysical properties (such as structural, functional, and spatial information, amino acid conservation, physicochemical variation, residue mobility, and thermodynamic stability) indicates that this missense variant is not expected to disrupt MBD5 protein function with a negative predictive value of 80%. In summary, the available evidence is currently insufficient to determine the role of this variant in disease. Therefore, it has been classified as a Variant of Uncertain Significance.

NM_001378120.1(MBD5):c.509T>C (p.Leu170Ser)

Gene: MBD5 (methyl-CpG binding domain protein 5; plus strand). Cytogenetic location: 2q23.1.
Variant type: single nucleotide variant.
Coding change: c.509T>C on transcript NM_001378120.1 (MANE Select); coding-DNA position 509, T replaced by C.
Protein change: p.Leu170Ser; replaces leucine 170 with serine.
Molecular consequence: missense variant.
Genome position (GRCh38, 1-based): chr2:148,468,452, T>C. VCF-style: chr2-148468452-T-C. GRCh37 (hg19) VCF-style: chr2-149226021-T-C.
Other names: c.509T>C, p.Leu170Ser (NM_001438854.1, NM_001438855.1, NM_001438856.1 and 7 more transcripts); short protein forms L170S.
Identifiers: ClinVar variation 4766267 (VCV004766267.1).
Genomic context (GRCh38, chr2:148,468,452, plus strand): 5'-ATAAGTCTCATGAAGGAATTACAAATTCTGTAATGCCTGAATGTAAGAATCCTTTCAAGT[T>C]AATGATTGGATCATCAAATGCCATGGGAAGGCTATATGTACAAGAACTGCCTGGAAGCCA-3'
Protein context (NP_001365049.1, residues 160-180): VMPECKNPFK[Leu170Ser]MIGSSNAMGR